The following is an entry in ClinVar:

ClinVar aggregate classification (germline): Uncertain significance. Review status: criteria provided, multiple submitters, no conflicts (2 of 4 stars). 2 submissions from 2 submitters: Uncertain significance (2). Last evaluated 2025-11-21.

Conditions:
Cardiovascular phenotype. Identifiers: MedGen CN230736.

Allele frequency attached by ClinVar (database versions not stated): gnomAD 0.00001 and 0.00003; TOPMed 0.00001; gnomAD exomes 0.00006; ExAC 0.00008; 1000 Genomes Project 30x 0.00031; 1000 Genomes Project 0.00040.
gnomAD v4.1: 32 of 1,609,676 alleles (0.002%); highest among the groups gnomAD compares: East Asian, 0.069%; no homozygotes.

Submissions (2):

Labcorp Genetics (formerly Invitae), Labcorp
Classification: Uncertain significance. Last evaluated: 2025-11-21. Review status: criteria provided, single submitter. Criteria: Invitae Variant Classification Sherloc (09022015). Collection method: clinical testing. Allele origin: germline.
Comment: This sequence change replaces glycine, which is neutral and non-polar, with aspartic acid, which is acidic and polar, at codon 1796 of the ALPK3 protein (p.Gly1796Asp). This variant is present in population databases (rs200262921, gnomAD 0.09%). This variant has not been reported in the literature in individuals affected with ALPK3-related conditions. ClinVar contains an entry for this variant (Variation ID: 1366011). Invitae Evidence Modeling of protein sequence and biophysical properties (such as structural, functional, and spatial information, amino acid conservation, physicochemical variation, residue mobility, and thermodynamic stability) indicates that this missense variant is expected to disrupt ALPK3 protein function with a positive predictive value of 80%. In summary, the available evidence is currently insufficient to determine the role of this variant in disease. Therefore, it has been classified as a Variant of Uncertain Significance.

Ambry Genetics
Classification: Uncertain significance for Cardiovascular phenotype. Last evaluated: 2023-03-03. Review status: criteria provided, single submitter. Criteria: Ambry Variant Classification Scheme 2023. Collection method: clinical testing. Allele origin: germline.
Comment: The p.G1796D variant (also known as c.5387G>A), located in coding exon 14 of the ALPK3 gene, results from a G to A substitution at nucleotide position 5387. The glycine at codon 1796 is replaced by aspartic acid, an amino acid with similar properties. This amino acid position is highly conserved in available vertebrate species. In addition, the in silico prediction for this alteration is inconclusive. Since supporting evidence is limited at this time, the clinical significance of this alteration remains unclear.

NM_020778.5(ALPK3):c.4781G>A (p.Gly1594Asp)

Gene: ALPK3 (alpha kinase 3; plus strand). Cytogenetic location: 15q25.3.
Variant type: single nucleotide variant.
Coding change: c.4781G>A on transcript NM_020778.5 (MANE Select); coding-DNA position 4781, G replaced by A.
Protein change: p.Gly1594Asp; replaces glycine 1594 with aspartic acid.
Molecular consequence: missense variant.
Genome position (GRCh38, 1-based): chr15:84,868,119, G>A. VCF-style: chr15-84868119-G-A. GRCh37 (hg19) VCF-style: chr15-85411350-G-A.
Other names: c.5387G>A (NM_020778.4); short protein forms G1594D.
Identifiers: ClinVar variation 1366011 (VCV001366011.7), dbSNP rs200262921, ClinGen allele CA7710095.